The following is an entry in ClinVar:

NM_002637.4(PHKA1):c.2729G>C (p.Gly910Ala)

Gene: PHKA1 (phosphorylase kinase regulatory subunit alpha 1; minus strand). Cytogenetic location: Xq13.1.
Variant type: single nucleotide variant.
Coding change: c.2729G>C on transcript NM_002637.4 (MANE Select); coding-DNA position 2729, G replaced by C.
Protein change: p.Gly910Ala; replaces glycine 910 with alanine.
Molecular consequence: missense variant.
Genome position (GRCh38, 1-based): chrX:72,605,357, C>G on the plus strand (G>C on the coding strand, the complement: PHKA1 is on the minus strand). VCF-style: chrX-72605357-C-G. GRCh37 (hg19) VCF-style: chrX-71825207-C-G.
Other names: c.2729G>C, p.Gly910Ala (NM_001122670.2, NM_001431068.1); c.2552G>C, p.Gly851Ala (NM_001172436.2); short protein forms G851A, G910A.
Identifiers: ClinVar variation 3699081 (VCV003699081.2).

ClinVar aggregate classification (germline): Uncertain significance (1 of 4 stars; one submission).

Conditions:
Glycogen storage disease IXd (GSD9D). Also called: GSD IXd; Muscle Phosphorylase Kinase Deficiency. Identifiers: Orphanet 715, MedGen C1845151, MONDO:0010362, OMIM 300559.

gnomAD v4.1: 2 of 1,205,325 alleles (0.00017%); highest among the groups gnomAD compares: African/African-American, 0.0035%; no homozygotes.

Submission:

Labcorp Genetics (formerly Invitae), Labcorp
Classification: Uncertain significance for Glycogen storage disease IXd. Last evaluated: 2024-03-28. Review status: criteria provided, single submitter. Criteria: Invitae Variant Classification Sherloc (09022015). Collection method: clinical testing. Allele origin: germline.
Comment: This sequence change replaces glycine, which is neutral and non-polar, with alanine, which is neutral and non-polar, at codon 910 of the PHKA1 protein (p.Gly910Ala). This variant is present in population databases (no rsID available, gnomAD 0.01%). This variant has not been reported in the literature in individuals affected with PHKA1-related conditions. Advanced modeling of protein sequence and biophysical properties (such as structural, functional, and spatial information, amino acid conservation, physicochemical variation, residue mobility, and thermodynamic stability) performed at Invitae indicates that this missense variant is not expected to disrupt PHKA1 protein function with a negative predictive value of 80%. In summary, the available evidence is currently insufficient to determine the role of this variant in disease. Therefore, it has been classified as a Variant of Uncertain Significance.